The following is an entry in ClinVar:

NM_007055.4(POLR3A):c.2741G>A (p.Gly914Glu)

Gene: POLR3A (RNA polymerase III subunit A; minus strand). Cytogenetic location: 10q22.3.
Variant type: single nucleotide variant.
Coding change: c.2741G>A on transcript NM_007055.4 (MANE Select); coding-DNA position 2741, G replaced by A.
Protein change: p.Gly914Glu; replaces glycine 914 with glutamic acid.
Molecular consequence: missense variant.
Genome position (GRCh38, 1-based): chr10:77,993,243, C>T on the plus strand (G>A on the coding strand, the complement: POLR3A is on the minus strand). VCF-style: chr10-77993243-C-T. GRCh37 (hg19) VCF-style: chr10-79753001-C-T.
Other names: NM_007055.4(POLR3A):c.2741G>A; p.Gly914Glu; short protein forms G914E.
Identifiers: ClinVar variation 381806 (VCV000381806.3), dbSNP rs747257894, ClinGen allele CA5571043.

ClinVar aggregate classification (germline): Conflicting classifications of pathogenicity. Review status: criteria provided, conflicting classifications (1 of 4 stars). 2 submissions from 2 submitters: Likely pathogenic (1); Uncertain significance (1). Last evaluated 2024-01-24.

Conditions:
Leukodystrophy. Identifiers: Orphanet 68356, MedGen C0023520, MONDO:0019046, HP:0002415.

Allele frequency attached by ClinVar (database versions not stated): gnomAD exomes below 0.00001; ExAC 0.00001.

Submissions (2):

Broad Center for Mendelian Genomics, Broad Institute of MIT and Harvard
Classification: Uncertain significance for Leukodystrophy. Last evaluated: 2024-01-24. Review status: criteria provided, single submitter. Criteria: ACMG Guidelines, 2015. Collection method: curation. Allele origin: germline. Inheritance: Autosomal recessive inheritance.
Comment: The p.Gly914Glu variant in POLR3A has not been previously reported in individuals with POLR3A-related disorders, but has been identified in 0.003% (1/34590) of Latino chromosomes by the Genome Aggregation Database (gnomAD; dbSNP ID: rs747257894). Although this variant has been seen in the general population in a heterozygous state, its frequency is low enough to be consistent with a recessive carrier frequency. This variant has also been reported in ClinVar (Variation ID#: 381806) and has been interpreted as likely pathogenic by GeneDx. Computational prediction tools and conservation analyses do not provide strong support for or against an impact to the protein. In summary, the clinical significance of the p.Gly914Glu variant is uncertain. ACMG/AMP Criteria applied: PM2 (Richards 2015).

GeneDx
Classification: Likely pathogenic. Last evaluated: 2015-12-15. Review status: criteria provided, single submitter. Criteria: GeneDx Variant Classification (06012015). Collection method: clinical testing. Allele origin: germline. Affected: yes.
Comment: The G914E variant in the POLR3A gene has not been reported previously as a pathogenic variant, nor as a benign variant, to our knowledge. This variant was not observed in approximately 6500 individuals of European and African American ancestry in the NHLBI Exome Sequencing Project, indicating it is not a common benign variant in these populations. The G914E variant is a non-conservative amino acid substitution, which is likely to impact secondary protein structure as these residues differ in polarity, charge, size and/or other properties. This substitution occurs at a position that is conserved across species, and in silico analysis predicts this variant is probably damaging to the protein structure/function. The G914E variant is a strong candidate for a pathogenic variant.